The following is an entry in ClinVar:

ClinVar aggregate classification (germline): Benign. Review status: reviewed by expert panel (3 of 4 stars). 30 submissions from 30 submitters: Benign (1). 29 of the submissions do not count toward it. Last evaluated 2015-08-10.

Conditions:
Hereditary cancer-predisposing syndrome. Also called: Tumor predisposition; Neoplastic Syndromes, Hereditary; Hereditary Cancer Syndrome; Hereditary neoplastic syndrome. Identifiers: Orphanet 140162, MedGen C0027672, MeSH D009386, MONDO:0015356.
BRCA1-related disorder. Also called: BRCA1-related condition.
Familial cancer of breast. Also called: Hereditary breast cancer; hereditary breast carcinoma; BREAST CANCER, FAMILIAL. Identifiers: Orphanet 227535, MedGen C0346153, MONDO:0016419, OMIM 114480. Disease mechanism: loss of function.
Breast-ovarian cancer, familial, susceptibility to, 1 (BROVCA1). Also called: OVARIAN CANCER, SUSCEPTIBILITY TO; BRCA1 Hereditary Breast and Ovarian Cancer. Identifiers: Orphanet 145, MedGen C2676676, MONDO:0011450, OMIM 604370. Disease mechanism: loss of function.
Pancreatic cancer, susceptibility to, 4. Identifiers: Orphanet 1333, MedGen C3280442, MONDO:0013685, OMIM 614320.
Fanconi anemia, complementation group S (FANCS). Identifiers: MedGen C4554406, MONDO:0054748, OMIM 617883.
Inherited breast cancer and ovarian cancer.
Breast and/or ovarian cancer. Identifiers: MedGen CN221562.
Hereditary breast ovarian cancer syndrome. Also called: Hereditary breast and ovarian cancer syndrome (HBOC); Hereditary breast and ovarian cancer syndrome; Hereditary breast and ovarian cancer; Hereditary breast and/or ovarian cancer syndrome; Breast and ovarian cancer; BRCA1- and BRCA2-Associated Hereditary Breast and Ovarian Cancer. Identifiers: Orphanet 145, MedGen C0677776, MeSH D061325, MONDO:0003582. Disease mechanism: loss of function.

Allele frequency attached by ClinVar (database versions not stated): gnomAD 0.00016 and 0.00018; TOPMed 0.00016; ExAC 0.00026; gnomAD exomes 0.00028 and 0.00030; ESP Exome Variant Server 0.00031; 1000 Genomes Project 30x 0.00047; 1000 Genomes Project 0.00060.
gnomAD v4.1: 425 of 1,613,482 alleles (0.026%); highest among the groups gnomAD compares: South Asian, 0.078%; no homozygotes.

Submissions 1 to 15 of 30:

Evidence-based Network for the Interpretation of Germline Mutant Alleles (ENIGMA)
Classification: Benign for Breast-ovarian cancer, familial 1. Last evaluated: 2015-08-10. Review status: reviewed by expert panel. Criteria: ENIGMA BRCA1/2 Classification Criteria (2015). Collection method: curation. Allele origin: germline.
Comment: IARC class based on posterior probability from multifactorial likelihood analysis, thresholds for class as per Plon et al. 2008 (PMID: 18951446). Class 1 based on posterior probability = 0.0000000000309

Labcorp Genetics (formerly Invitae), Labcorp
Classification: Benign for Hereditary breast ovarian cancer syndrome. Last evaluated: 2026-01-31. Review status: criteria provided, single submitter. Criteria: Invitae Variant Classification Sherloc (09022015). Collection method: clinical testing. Allele origin: germline. Not counted in ClinVar's aggregate classification.

Cambridge Genomics Laboratory, East Genomic Laboratory Hub, NHS Genomic Medicine Service
Classification: Benign for Inherited breast cancer and ovarian cancer. Last evaluated: 2026-01-26. Review status: criteria provided, single submitter. Criteria: ACGS Best Practice Guidelines for Variant Classification in Rare Disease 2020. Collection method: clinical testing. Allele origin: germline. Affected: yes. Not counted in ClinVar's aggregate classification.
Comment: BS1_Strong,BP1,BP4,BP5_Very Strong

Mayo Clinic Laboratories, Mayo Clinic
Classification: Likely benign. Last evaluated: 2025-10-23. Review status: criteria provided, single submitter. Criteria: ACMG Guidelines, 2015. Collection method: clinical testing. Allele origin: germline. Observed: 2 variant alleles. Not counted in ClinVar's aggregate classification.
Comment: BS1, BP5

ARUP Laboratories, Molecular Genetics and Genomics, ARUP Laboratories
Classification: Benign. Last evaluated: 2025-03-31. Review status: criteria provided, single submitter. Criteria: ARUP Molecular Germline Variant Investigation Process 2024. Collection method: clinical testing. Allele origin: germline. Not counted in ClinVar's aggregate classification.

Center for Genomic Medicine, Rigshospitalet, Copenhagen University Hospital
Classification: Benign. Last evaluated: 2025-03-04. Review status: criteria provided, single submitter. Criteria: ACMG Guidelines, 2015. Collection method: clinical testing. Allele origin: germline. Not counted in ClinVar's aggregate classification.

Blueprint Genetics
Classification: Likely benign. Last evaluated: 2024-10-29. Review status: criteria provided, single submitter. Criteria: ACMG Guidelines, 2015. Collection method: clinical testing. Allele origin: germline. Not counted in ClinVar's aggregate classification.

All of Us Research Program, National Institutes of Health
Classification: Likely benign for Breast-ovarian cancer, familial, susceptibility to, 1. Last evaluated: 2023-12-18. Review status: criteria provided, single submitter. Criteria: ACMG Guidelines, 2015. Collection method: clinical testing. Allele origin: germline. Inheritance: Autosomal dominant inheritance. Observed: 53 variant alleles, 53 heterozygotes. Not counted in ClinVar's aggregate classification.
Comment: This study involves interpretation of variants in research participants for the purpose of population health screening. Participant phenotype was not available at the time of variant classification. Additional details can be found in publication PMID: 35346344, PMCID: PMC8962531

Fulgent Genetics
Classification: Benign for Familial cancer of breast; Breast-ovarian cancer, familial, susceptibility to, 1; Pancreatic cancer, susceptibility to, 4; Fanconi anemia, complementation group S. Last evaluated: 2021-10-21. Review status: criteria provided, single submitter. Criteria: ACMG Guidelines, 2015. Collection method: clinical testing. Allele origin: unknown. Not counted in ClinVar's aggregate classification.

Genetics and Molecular Pathology, SA Pathology
Classification: Benign for Breast-ovarian cancer, familial, susceptibility to, 1. Last evaluated: 2021-08-23. Review status: criteria provided, single submitter. Criteria: ACMG Guidelines, 2015. Collection method: clinical testing. Allele origin: germline. Not counted in ClinVar's aggregate classification.
Comment: The BRCA1 c.3296C>T variant is classified as Benign (BS1, BP6)

Sema4
Classification: Likely benign for Hereditary cancer-predisposing syndrome. Last evaluated: 2021-03-31. Review status: criteria provided, single submitter. Criteria: Sema4 Curation Guidelines. Collection method: curation. Allele origin: germline. Not counted in ClinVar's aggregate classification.

CHEO Genetics Diagnostic Laboratory, Children's Hospital of Eastern Ontario
Classification: Likely benign for Breast and/or ovarian cancer. Last evaluated: 2020-11-13. Review status: criteria provided, single submitter. Criteria: ACMG Guidelines, 2015. Collection method: clinical testing. Allele origin: germline. Not counted in ClinVar's aggregate classification.

Illumina Laboratory Services, Illumina
Classification: Likely benign for Breast-ovarian cancer, familial, susceptibility to, 1. Last evaluated: 2017-04-27. Review status: criteria provided, single submitter. Criteria: ICSL Variant Classification Criteria 13 December 2019. Collection method: clinical testing. Allele origin: germline. Not counted in ClinVar's aggregate classification.
Comment: This variant was observed as part of a predisposition screen in an ostensibly healthy population. A literature search was performed for the gene, cDNA change, and amino acid change (where applicable). Publications were found based on this search. The evidence from the literature, in combination with allele frequency data from public databases where available, was sufficient to determine this variant is unlikely to cause disease. Therefore, this variant is classified as likely benign.

Laboratory for Molecular Medicine, Mass General Brigham Personalized Medicine
Classification: Uncertain significance. Last evaluated: 2016-06-16. Review status: criteria provided, single submitter. Criteria: LMM Criteria. Collection method: clinical testing. Allele origin: germline. Not counted in ClinVar's aggregate classification.
Comment: Variant identified in a genome or exome case(s) and assessed due to predicted null impact of the variant or pathogenic assertions in the literature or databases. Disclaimer: This variant has not undergone full assessment. The following are preliminary notes: Multiple papers descrive as non-pathogenic; ClinVar: 4 B/LB

Women's Health and Genetics/Laboratory Corporation of America, LabCorp
Classification: Benign. Last evaluated: 2016-03-25. Review status: criteria provided, single submitter. Criteria: LabCorp Variant Classification Summary - May 2015. Collection method: clinical testing. Allele origin: germline. Not counted in ClinVar's aggregate classification.
Comment: Variant summary: The variant c.3296C>T affects a conserved nucleotide, leading to amino acid change from Pro to Leu. 3/4 in-silico tools predict this variant to be damaging, however they are not definite. The variant was observed in the large and broad cohorts of the ExAC project at an allele frequency of 0.0.00026 (32/122380 chromosomes), which does not exceed the maximal expected allele frequency for a pathogenic variant in BRCA1 (0.001). However, the frequency data should still suggest that this variant is likely to be a rare polymorphism. In reputable databases (BIC and UMD), the variant has been reported to co-occur with multiple deleterious pathogenic variants in BRCA1 (p.Glu1060Ter, c.2376_2376delG and c.798_799delTT) as well as in BRCA2 (c.4277delC and c.5353delA). In addition, the variant is also known to be present with a deleterious BRCA1 variant p.Glu1060Ter (Judkins_2005), a definite evidence for benign outcome. Multifactorial probability model studies also show the variant to have a very low probability of being deleterious. Multiple clinical laboratories, reputable databases, and literature classify this variant as benign/polymorphism. Taken all together, this variant has been classified as Benign.

NM_007294.4(BRCA1):c.3296C>T (p.Pro1099Leu)

Genes: BRCA1 (BRCA1 DNA repair associated; minus strand), LOC126862571 (BRD4-independent group 4 enhancer GRCh37_chr17:41243136-41244335; plus strand). Cytogenetic location: 17q21.31.
Variant type: single nucleotide variant.
Coding change: c.3296C>T on transcript NM_007294.4 (MANE Select); coding-DNA position 3296, C replaced by T.
Protein change: p.Pro1099Leu; replaces proline 1099 with leucine.
Molecular consequence: missense variant. On other transcripts: intron variant (137).
Genome position (GRCh38, 1-based): chr17:43,092,235, G>A on the plus strand (C>T on the coding strand, the complement: BRCA1 is on the minus strand). VCF-style: chr17-43092235-G-A. GRCh37 (hg19) VCF-style: chr17-41244252-G-A.
Other names: p.P1099L:CCT>CTT; 3415C>T; c.3287C>T, p.Pro1096Leu (NM_001407647.1, NM_001407646.1); c.3173C>T, p.Pro1058Leu (NM_001407648.1, NM_001407664.1, NM_001407665.1 and 19 more transcripts); c.3170C>T, p.Pro1057Leu (NM_001407649.1, NM_001407670.1, NM_001407671.1 and 11 more transcripts); c.3296C>T, p.Pro1099Leu (NM_001407652.1, NM_001407684.1, NM_001407854.1 and 30 more transcripts); c.3218C>T, p.Pro1073Leu (NM_001407653.1, NM_001407654.1, NM_001407655.1 and 4 more transcripts); c.3215C>T, p.Pro1072Leu (NM_001407659.1, NM_001407660.1, NM_001407661.1 and 1 more transcripts); and 43 more; short protein forms P1099L, P1052L, P1031L, P1058L, P1098L, P972L, P1010L, P1011L.
Identifiers: ClinVar variation 41816 (VCV000041816.52), dbSNP rs80357201, ClinGen allele CA002127.